The following is an entry in ClinVar:

NM_001297.5(CNGB1):c.2597T>C (p.Phe866Ser)

Gene: CNGB1 (cyclic nucleotide gated channel subunit beta 1; minus strand). Cytogenetic location: 16q21.
Variant type: single nucleotide variant.
Coding change: c.2597T>C on transcript NM_001297.5 (MANE Select); coding-DNA position 2597, T replaced by C.
Protein change: p.Phe866Ser; replaces phenylalanine 866 with serine.
Molecular consequence: missense variant.
Genome position (GRCh38, 1-based): chr16:57,904,771, A>G on the plus strand (T>C on the coding strand, the complement: CNGB1 is on the minus strand). VCF-style: chr16-57904771-A-G. GRCh37 (hg19) VCF-style: chr16-57938675-A-G.
Other names: c.2579T>C, p.Phe860Ser (NM_001286130.2); short protein forms F866S, F860S.
Identifiers: ClinVar variation 2114967 (VCV002114967.4), dbSNP rs2544620293, ClinGen allele CA396058605.

ClinVar aggregate classification (germline): Uncertain significance (1 of 4 stars; one submission).

Submission:

Labcorp Genetics (formerly Invitae), Labcorp
Classification: Uncertain significance. Last evaluated: 2022-03-20. Review status: criteria provided, single submitter. Criteria: Invitae Variant Classification Sherloc (09022015). Collection method: clinical testing. Allele origin: germline.
Comment: Advanced modeling of protein sequence and biophysical properties (such as structural, functional, and spatial information, amino acid conservation, physicochemical variation, residue mobility, and thermodynamic stability) performed at Invitae indicates that this missense variant is expected to disrupt CNGB1 protein function. In summary, the available evidence is currently insufficient to determine the role of this variant in disease. Therefore, it has been classified as a Variant of Uncertain Significance. This variant has not been reported in the literature in individuals affected with CNGB1-related conditions. This sequence change replaces phenylalanine, which is neutral and non-polar, with serine, which is neutral and polar, at codon 866 of the CNGB1 protein (p.Phe866Ser). This variant is not present in population databases (gnomAD no frequency).